The following is an entry in ClinVar:

NM_181303.2(NLGN3):c.95C>T (p.Ala32Val)

Gene: NLGN3 (neuroligin 3; plus strand). Cytogenetic location: Xq13.1.
Variant type: single nucleotide variant.
Coding change: c.95C>T on transcript NM_181303.2 (MANE Select); coding-DNA position 95, C replaced by T.
Protein change: p.Ala32Val; replaces alanine 32 with valine.
Molecular consequence: missense variant. On other transcripts: intron variant (4).
Genome position (GRCh38, 1-based): chrX:71,147,844, C>T. VCF-style: chrX-71147844-C-T. GRCh37 (hg19) VCF-style: chrX-70367694-C-T.
Other names: c.95C>T, p.Ala32Val (NM_001166660.2, NM_018977.4); c.-39+217C>T (NM_001438296.1, NM_001438298.1); c.-38-219C>T (NM_001437941.1, NM_001321276.2); short protein forms A32V.
Identifiers: ClinVar variation 5038704 (VCV005038704.1).

ClinVar aggregate classification (germline): Likely benign (1 of 4 stars; one submission).

gnomAD v4.1: 13 of 1,207,792 alleles (0.0011%); highest among the groups gnomAD compares: South Asian, 0.0018%; no homozygotes.

Submission:

CeGaT Center for Human Genetics Tuebingen
Classification: Likely benign. Last evaluated: 2026-07-01. Review status: criteria provided, single submitter. Criteria: CeGaT Center For Human Genetics Tuebingen Variant Classification Criteria Version 2. Collection method: clinical testing. Allele origin: germline. Affected: yes. Observed: 1 variant allele.
Comment: NLGN3: BP4, BS2